The following is an entry in ClinVar:

NM_007294.4(BRCA1):c.2841del (p.Gly948fs)

Gene: BRCA1 (BRCA1 DNA repair associated; minus strand). Cytogenetic location: 17q21.31.
Variant type: Deletion.
Coding change: c.2841del on transcript NM_007294.4 (MANE Select); coding-DNA position 2841, one base deleted (A; older notation c.2841delA).
Protein change: p.Gly948fs; shifts the reading frame from glycine 948.
Molecular consequence: frameshift variant. On other transcripts: intron variant (137).
Genome position (GRCh38, 1-based): chr17:43,092,690, T deleted on the plus strand (A on the coding strand, the reverse complement: BRCA1 is on the minus strand); the first of 3 consecutive T bases (chr17:43,092,690-43,092,692); deleting any one gives the same sequence. VCF-style (leftmost placement, unchanged base first): chr17-43092689-CT-C. GRCh37 (hg19) VCF-style: chr17-41244706-CT-C.
Other names: c.404-1658del (NM_001408511.1); c.647-1658del (NM_001408457.1, NM_001408460.1, NM_001408454.1 and 11 more transcripts); c.521-1658del (NM_001408505.1, NM_001408504.1, NM_001408503.1); c.461-1658del (NM_001408507.1, NM_001408506.1); c.545-1658del (NM_001408495.1); c.662-1658del (NM_001408448.1, NM_001408445.1, NM_001408432.1 and 6 more transcripts); c.668-1658del (NM_001408421.1, NM_001408431.1, NM_001408424.1); c.785-1658del (NM_001407991.1, NM_001408407.1, NM_001408402.1 and 13 more transcripts); and 41 more; short protein forms G652fs, G780fs, G820fs, G821fs, G836fs, G837fs, G859fs, G860fs.
Identifiers: ClinVar variation 4086791 (VCV004086791.1).

ClinVar aggregate classification (germline): Likely pathogenic (1 of 4 stars; one submission).

Conditions:
Breast-ovarian cancer, familial, susceptibility to, 1 (BROVCA1). Also called: BRCA1 Hereditary Breast and Ovarian Cancer; OVARIAN CANCER, SUSCEPTIBILITY TO. Identifiers: Orphanet 145, MedGen C2676676, MONDO:0011450, OMIM 604370. Disease mechanism: loss of function.

Submission:

Medical Genetics Laboratory, Aydin Adnan Menderes University
Classification: Likely pathogenic for Breast-ovarian cancer, familial, susceptibility to, 1. Last evaluated: 2025-07-19. Review status: criteria provided, single submitter. Criteria: ACMG Guidelines, 2015. Collection method: research. Allele origin: germline. Affected: no. Observed: 1 heterozygote.
Comment: The BRCA1 c.2841del (p.Asn948Metfs*5) variant is a novel frameshift variant predicted to cause NMD. Given the well-established role of BRCA1 loss-of-function in hereditary breast and ovarian cancer, and the absence of the variant in gnomAD, it is classified as likely pathogenic (PVS1, PM2).